The following is an entry in ClinVar:

NM_000540.3(RYR1):c.1995G>T (p.Val665=)

Gene: RYR1 (ryanodine receptor 1; plus strand). Cytogenetic location: 19q13.2.
Variant type: single nucleotide variant.
Coding change: c.1995G>T on transcript NM_000540.3 (MANE Select); coding-DNA position 1995, G replaced by T.
Protein change: p.Val665=; no amino-acid change (valine 665 retained).
Molecular consequence: synonymous variant.
Genome position (GRCh38, 1-based): chr19:38,458,120, G>T. VCF-style: chr19-38458120-G-T. GRCh37 (hg19) VCF-style: chr19-38948760-G-T.
Other names: c.1995G>T, p.Val665= (NM_001042723.2).
Identifiers: ClinVar variation 3387663 (VCV003387663.1).
Genomic context (GRCh38, chr19:38,458,120, plus strand): 5'-CAACATCTTTGTGGGCCGAGCGGAAGGCACCACGCAGTACAGCAAATGGTACTTTGAGGT[G>T]ATGGTGGACGAGGTGACTCCATTTCTGACAGCTCAGGCCACCCACTTGCGGGTGGGCTGG-3'
Protein context (NP_000531.2, residues 655-675): TTQYSKWYFE[Val665=]MVDEVTPFLT

ClinVar aggregate classification (germline): Likely benign (1 of 4 stars; one submission).

Conditions:
Malignant hyperthermia, susceptibility to, 1 (MHS1). Also called: Anesthesia related hyperthermia; Malignant hyperpyrexia; Fulminating hyperpyrexia; Pharmacogenic myopathy; RYR1-Related Malignant Hyperthermia Susceptibility; Malignant hyperthermia suceptibility 1. Identifiers: Orphanet 423, MedGen C2930980, MONDO:0007783, OMIM 145600.

Submission:

All of Us Research Program, National Institutes of Health
Classification: Likely benign for Malignant hyperthermia, susceptibility to, 1. Last evaluated: 2024-03-24. Review status: criteria provided, single submitter. Criteria: ACMG Guidelines, 2015. Collection method: clinical testing. Allele origin: germline. Inheritance: Autosomal dominant inheritance. Observed: 1 variant allele, 1 heterozygote.
Comment: This study involves interpretation of variants in research participants for the purpose of population health screening. Participant phenotype was not available at the time of variant classification. Additional details can be found in publication PMID: 35346344, PMCID: PMC8962531